The following is an entry in ClinVar:

NM_025137.4(SPG11):c.937G>A (p.Val313Ile)

Gene: SPG11 (SPG11 vesicle trafficking associated, spatacsin; minus strand). Cytogenetic location: 15q21.1.
Variant type: single nucleotide variant.
Coding change: c.937G>A on transcript NM_025137.4 (MANE Select); coding-DNA position 937, G replaced by A.
Protein change: p.Val313Ile; replaces valine 313 with isoleucine.
Molecular consequence: missense variant.
Genome position (GRCh38, 1-based): chr15:44,652,199, C>T on the plus strand (G>A on the coding strand, the complement: SPG11 is on the minus strand). VCF-style: chr15-44652199-C-T. GRCh37 (hg19) VCF-style: chr15-44944397-C-T.
Other names: c.937G>A, p.Val313Ile (NM_001160227.2); short protein forms V313I.
Identifiers: ClinVar variation 448470 (VCV000448470.6), dbSNP rs533492925, ClinGen allele CA7535671.

ClinVar aggregate classification (germline): Uncertain significance. Review status: criteria provided, multiple submitters, no conflicts (2 of 4 stars). 5 submissions from 3 submitters: Uncertain significance (5). Last evaluated 2022-08-16.

Conditions:
Amyotrophic lateral sclerosis type 5 (ALS5). Also called: AMYOTROPHIC LATERAL SCLEROSIS 5, JUVENILE. Identifiers: Orphanet 300605, MedGen C1865864, MONDO:0011196, OMIM 602099.
Charcot-Marie-Tooth disease axonal type 2X. Also called: CHARCOT-MARIE-TOOTH DISEASE, AXONAL, AUTOSOMAL RECESSIVE, TYPE 2X; CHARCOT-MARIE-TOOTH NEUROPATHY, TYPE 2X. Identifiers: Orphanet 466775, MedGen C5569024, MONDO:0014726, OMIM 616668.
Hereditary spastic paraplegia 11. Also called: Spastic Paraplegia 11; Spastic paraplegia, mental retardation and thin corpus callosum; SPASTIC PARAPLEGIA, AUTOSOMAL RECESSIVE, COMPLICATED, WITH THIN CORPUS CALLOSUM; SPASTIC PARAPLEGIA, AUTOSOMAL RECESSIVE, WITH MENTAL IMPAIRMENT AND THIN CORPUS CALLOSUM; Nakamura Osame syndrome; Autosomal recessive hereditary spastic paraplegia, mental impairment, and thin corpus callosum. Identifiers: Orphanet 2822, MedGen C1858479, MONDO:0011445, OMIM 604360.

Allele frequency attached by ClinVar (database versions not stated): gnomAD exomes 0.00001 and 0.00004; gnomAD 0.00003; TOPMed 0.00003; ExAC 0.00007.

Submissions (5):

Labcorp Genetics (formerly Invitae), Labcorp
Classification: Uncertain significance for Hereditary spastic paraplegia 11. Last evaluated: 2022-08-16. Review status: criteria provided, single submitter. Criteria: Invitae Variant Classification Sherloc (09022015). Collection method: clinical testing. Allele origin: germline.
Comment: This sequence change replaces valine, which is neutral and non-polar, with isoleucine, which is neutral and non-polar, at codon 313 of the SPG11 protein (p.Val313Ile). This variant is present in population databases (rs533492925, gnomAD 0.007%). This variant has not been reported in the literature in individuals affected with SPG11-related conditions. ClinVar contains an entry for this variant (Variation ID: 448470). Algorithms developed to predict the effect of missense changes on protein structure and function output the following: SIFT: "Tolerated"; PolyPhen-2: "Benign"; Align-GVGD: "Class C0". The isoleucine amino acid residue is found in multiple mammalian species, which suggests that this missense change does not adversely affect protein function. In summary, the available evidence is currently insufficient to determine the role of this variant in disease. Therefore, it has been classified as a Variant of Uncertain Significance.

Athena Diagnostics
Classification: Uncertain significance. Last evaluated: 2016-11-14. Review status: criteria provided, single submitter. Criteria: Athena Diagnostics Criteria. Collection method: clinical testing. Allele origin: germline.

Genome-Nilou Lab
Classification: Uncertain significance for Amyotrophic lateral sclerosis type 5. Review status: criteria provided, single submitter. Criteria: ACMG Guidelines, 2015. Collection method: clinical testing. Allele origin: germline.

Genome-Nilou Lab
Classification: Uncertain significance for Charcot-Marie-Tooth disease axonal type 2X. Review status: criteria provided, single submitter. Criteria: ACMG Guidelines, 2015. Collection method: clinical testing. Allele origin: germline.

Genome-Nilou Lab
Classification: Uncertain significance for Hereditary spastic paraplegia 11. Review status: criteria provided, single submitter. Criteria: ACMG Guidelines, 2015. Collection method: clinical testing. Allele origin: germline.